The following is an entry in ClinVar:

NM_198253.3(TERT):c.1931C>A (p.Thr644Lys)

Gene: TERT (telomerase reverse transcriptase; minus strand). Cytogenetic location: 5p15.33.
Variant type: single nucleotide variant.
Coding change: c.1931C>A on transcript NM_198253.3 (MANE Select); coding-DNA position 1931, C replaced by A.
Protein change: p.Thr644Lys; replaces threonine 644 with lysine.
Molecular consequence: missense variant. On other transcripts: non-coding transcript variant (2).
Genome position (GRCh38, 1-based): chr5:1,280,177, G>T on the plus strand (C>A on the coding strand, the complement: TERT is on the minus strand). VCF-style: chr5-1280177-G-T. GRCh37 (hg19) VCF-style: chr5-1280292-G-T.
Other names: c.1931C>A, p.Thr644Lys (NM_001193376.3); c.1931C>A (NM_198253.2); short protein forms T644K.
Identifiers: ClinVar variation 1432991 (VCV001432991.9), dbSNP rs201927653, ClinGen allele CA359081070.

ClinVar aggregate classification (germline): Uncertain significance. Review status: criteria provided, multiple submitters, no conflicts (2 of 4 stars). 2 submissions from 2 submitters: Uncertain significance (2). Last evaluated 2026-08-20.

Conditions:
Dyskeratosis congenita, autosomal dominant 2. Identifiers: MedGen C3151443, MONDO:0013521, OMIM 613989.
Idiopathic Pulmonary Fibrosis. Also called: Idiopathic fibrosing alveolitis, chronic form; idiopathic fibrosing alveolitis. Identifiers: Orphanet 2032, MedGen C1800706, MeSH D054990, MONDO:0800504.
Dyskeratosis congenita. Identifiers: Orphanet 1775, MedGen C0265965, MONDO:0015780.

Submissions (2):

Ambry Genetics
Classification: Uncertain significance for Dyskeratosis congenita. Last evaluated: 2026-08-20. Review status: criteria provided, single submitter. Criteria: Ambry Variant Classification Scheme 2023. Collection method: clinical testing. Allele origin: germline.
Comment: The p.T644K variant (also known as c.1931C>A), located in coding exon 4 of the TERT gene, results from a C to A substitution at nucleotide position 1931. The threonine at codon 644 is replaced by lysine, an amino acid with similar properties. This amino acid position is not well conserved in available vertebrate species. In addition, this alteration is predicted to be tolerated by in silico analysis. Based on the available evidence, the clinical significance of this variant remains unclear.

Labcorp Genetics (formerly Invitae), Labcorp
Classification: Uncertain significance for Dyskeratosis congenita, autosomal dominant 2; Idiopathic Pulmonary Fibrosis. Last evaluated: 2022-01-26. Review status: criteria provided, single submitter. Criteria: Invitae Variant Classification Sherloc (09022015). Collection method: clinical testing. Allele origin: germline.
Comment: This variant is not present in population databases (gnomAD no frequency). This sequence change replaces threonine, which is neutral and polar, with lysine, which is basic and polar, at codon 644 of the TERT protein (p.Thr644Lys). This variant has not been reported in the literature in individuals affected with TERT-related conditions. Advanced modeling of protein sequence and biophysical properties (such as structural, functional, and spatial information, amino acid conservation, physicochemical variation, residue mobility, and thermodynamic stability) performed at Invitae indicates that this missense variant is not expected to disrupt TERT protein function. In summary, the available evidence is currently insufficient to determine the role of this variant in disease. Therefore, it has been classified as a Variant of Uncertain Significance.